The following is an entry in ClinVar:

NM_017763.6(RNF43):c.576G>A (p.Pro192=)

Gene: RNF43 (ring finger protein 43; minus strand). Cytogenetic location: 17q22.
Variant type: single nucleotide variant.
Coding change: c.576G>A on transcript NM_017763.6 (MANE Select); coding-DNA position 576, G replaced by A.
Protein change: p.Pro192=; no amino-acid change (proline 192 retained).
Molecular consequence: synonymous variant.
Genome position (GRCh38, 1-based): chr17:58,363,281, C>T on the plus strand (G>A on the coding strand, the complement: RNF43 is on the minus strand). VCF-style: chr17-58363281-C-T. GRCh37 (hg19) VCF-style: chr17-56440642-C-T.
Other names: p.Pro192=; c.576G>A, p.Pro192= (NM_001305544.3); c.195G>A, p.Pro65= (NM_001305545.2).
Identifiers: ClinVar variation 1165411 (VCV001165411.33), dbSNP rs76384648, ClinGen allele CA8673384.

ClinVar aggregate classification (germline): Benign/Likely benign. Review status: criteria provided, multiple submitters, no conflicts (2 of 4 stars). 13 submissions from 13 submitters: Benign (6); Likely benign (4). 3 of the submissions do not count toward it. Last evaluated 2026-06-30.

Conditions:
Hereditary cancer-predisposing syndrome. Also called: Neoplastic Syndromes, Hereditary; Tumor predisposition; Hereditary Cancer Syndrome; Hereditary neoplastic syndrome. Identifiers: Orphanet 140162, MedGen C0027672, MeSH D009386, MONDO:0015356.
RNF43-related disorder. Also called: RNF43-related condition.
Hyperplastic polyposis syndrome. Identifiers: Orphanet 157798, MedGen C4296896, MONDO:0015524.
Sessile serrated polyposis cancer syndrome (SSPCS). Identifiers: Orphanet 157798, MedGen C4310714, MONDO:0014919, OMIM 617108.

Allele frequency attached by ClinVar (database versions not stated): 1000 Genomes Project 0.00439; ESP Exome Variant Server 0.00969; 1000 Genomes Project 30x 0.00484.
gnomAD v4.1: 21,249 of 1,613,624 alleles (1.3%); highest among the groups gnomAD compares: Non-Finnish European, 1.6%; 184 homozygotes.

Submissions (13):

Myriad Genetics, Inc.
Classification: Benign for Sessile serrated polyposis cancer syndrome. Last evaluated: 2026-06-30. Review status: criteria provided, single submitter. Criteria: Myriad Autosomal Dominant, Autosomal Recessive and X-Linked Classification Criteria (2023). Collection method: clinical testing. Allele origin: unknown.
Comment: This variant is considered benign. This variant is a silent/synonymous amino acid change and it is not expected to impact splicing.

Labcorp Genetics (formerly Invitae), Labcorp
Classification: Benign. Last evaluated: 2026-02-03. Review status: criteria provided, single submitter. Criteria: Invitae Variant Classification Sherloc (09022015). Collection method: clinical testing. Allele origin: germline.

Mayo Clinic Laboratories, Mayo Clinic
Classification: Likely benign. Last evaluated: 2025-08-27. Review status: criteria provided, single submitter. Criteria: ACMG Guidelines, 2015. Collection method: clinical testing. Allele origin: germline. Observed: 13 variant alleles.
Comment: BS1, BP4, BP7

Institute for Biomarker Research, Medical Diagnostic Laboratories, L.L.C.
Classification: Benign for Hereditary cancer-predisposing syndrome. Last evaluated: 2025-08-04. Review status: criteria provided, single submitter. Criteria: ACMG Guidelines, 2015. Collection method: clinical testing. Allele origin: germline.
Comment: The synonymous variant NM_017763.6(RNF43):c.576G>A (p.Pro192=) has been reported to ClinVar as Benign/Likely benign with a status of (2 stars) criteria provided, multiple submitters, no conflicts (Var The p.Pro192= variant is observed in 22/5,008 (0.4393%) alleles from individuals of 1kG All background in 1kG, which is greater than expected for the disorder. The p.Pro192= variant is not predicted to disrupt the existing donor splice site 7bp upstream by any splice site algorithm. The p.Pro192= variant results in a substitution of a base that is not predicted conserved by GERP++ and PhyloP. For these reasons, this variant has been classified as Benign.

Center for Genomic Medicine, Rigshospitalet, Copenhagen University Hospital
Classification: Benign. Last evaluated: 2025-03-04. Review status: criteria provided, single submitter. Criteria: ACMG Guidelines, 2015. Collection method: clinical testing. Allele origin: germline.

Ambry Genetics
Classification: Likely benign. Last evaluated: 2024-08-21. Review status: criteria provided, single submitter. Criteria: Ambry Variant Classification Scheme 2023. Collection method: clinical testing. Allele origin: germline.

GeneDx
Classification: Likely benign. Last evaluated: 2022-04-13. Review status: criteria provided, single submitter. Criteria: GeneDx Variant Classification Process June 2021. Collection method: clinical testing. Allele origin: germline. Affected: yes.

Department of Pathology and Laboratory Medicine, Sinai Health System
Classification: Benign for Hyperplastic polyposis syndrome. Last evaluated: 2021-12-06. Review status: criteria provided, single submitter. Criteria: ACMG Guidelines, 2015. Collection method: clinical testing. Allele origin: germline. Affected: yes.

Genetic Services Laboratory, University of Chicago
Classification: Benign. Last evaluated: 2021-09-22. Review status: criteria provided, single submitter. Criteria: ACMG Guidelines, 2015. Collection method: clinical testing. Allele origin: germline. Affected: no.

Breakthrough Genomics
Classification: Likely benign. Review status: criteria provided, single submitter. Criteria: ACMG Guidelines, 2015. Collection method: not provided. Allele origin: germline. Inheritance: Autosomal dominant inheritance. Affected: yes.

PreventionGenetics, part of Exact Sciences
Classification: Benign for RNF43-related condition. Last evaluated: 2024-02-08. Review status: no assertion criteria provided. Collection method: clinical testing. Allele origin: germline. Not counted in ClinVar's aggregate classification.
Comment: This variant is classified as benign based on ACMG/AMP sequence variant interpretation guidelines (Richards et al. 2015 PMID: 25741868, with internal and published modifications).

Clinical Genetics, Academic Medical Center
Classification: Benign. Review status: no assertion criteria provided. Collection method: clinical testing. Allele origin: germline. Affected: yes. Study: VKGL Data-share Consensus. Not counted in ClinVar's aggregate classification.

Genome Diagnostics Laboratory, Amsterdam University Medical Center
Classification: Benign. Review status: no assertion criteria provided. Collection method: clinical testing. Allele origin: germline. Affected: yes. Study: VKGL Data-share Consensus. Not counted in ClinVar's aggregate classification.